The following is an entry in ClinVar:

NM_005591.4(MRE11):c.1289A>T (p.Glu430Val)

Gene: MRE11 (MRE11 double strand break repair nuclease; minus strand). Cytogenetic location: 11q21.
Variant type: single nucleotide variant.
Coding change: c.1289A>T on transcript NM_005591.4 (MANE Select); coding-DNA position 1289, A replaced by T.
Protein change: p.Glu430Val; replaces glutamic acid 430 with valine.
Molecular consequence: missense variant.
Genome position (GRCh38, 1-based): chr11:94,460,973, T>A on the plus strand (A>T on the coding strand, the complement: MRE11 is on the minus strand). VCF-style: chr11-94460973-T-A. GRCh37 (hg19) VCF-style: chr11-94194139-T-A.
Other names: c.1289A>T, p.Glu430Val (NM_001330347.2, NM_005590.4); short protein forms E430V.
Identifiers: ClinVar variation 234245 (VCV000234245.6), dbSNP rs876660954, ClinGen allele CA10579382.
Genomic context (GRCh38, chr11:94,460,973, plus strand): 5'-AAATGTGAACTGTAAGAAATTACCTTCTCTGCGGTTTGAAAGTACTGTTTTACAAGATCT[T>A]CTACCCTTAAAGTTGTTCCTTCTGAAGGCTTTGTGATAAGTTTCCCAAAGTTGATCTCTT-3'
Protein context (NP_005582.1, residues 420-440): KPSEGTTLRV[Glu430Val]DLVKQYFQTA

ClinVar aggregate classification (germline): Uncertain significance (1 of 4 stars; one submission).

Conditions:
Hereditary cancer-predisposing syndrome. Also called: Neoplastic Syndromes, Hereditary; Tumor predisposition; Hereditary Cancer Syndrome; Hereditary neoplastic syndrome. Identifiers: Orphanet 140162, MedGen C0027672, MeSH D009386, MONDO:0015356.

Allele frequency attached by ClinVar (database versions not stated): gnomAD exomes below 0.00001.
gnomAD v4.1: 1 of 1,613,896 alleles (0.000062%); highest among the groups gnomAD compares: Non-Finnish European, 0.000085%; no homozygotes.

Submission:

Ambry Genetics
Classification: Uncertain significance for Hereditary cancer-predisposing syndrome. Last evaluated: 2025-09-11. Review status: criteria provided, single submitter. Criteria: Ambry Variant Classification Scheme 2023. Collection method: clinical testing. Allele origin: germline.
Comment: The p.E430V variant (also known as c.1289A>T), located in coding exon 11 of the MRE11A gene, results from an A to T substitution at nucleotide position 1289. The glutamic acid at codon 430 is replaced by valine, an amino acid with dissimilar properties. This amino acid position is highly conserved in available vertebrate species. In addition, this alteration is predicted to be deleterious by in silico analysis. Since supporting evidence is limited at this time, the clinical significance of this alteration remains unclear.